The following is an entry in ClinVar:

ClinVar aggregate classification (germline): Conflicting classifications of pathogenicity. Review status: criteria provided, conflicting classifications (1 of 4 stars). 3 submissions from 3 submitters: Uncertain significance (2); Likely benign (1). Last evaluated 2024-01-01.

Conditions:
Inborn genetic diseases. Identifiers: MedGen C0950123, MeSH D030342.

Allele frequency attached by ClinVar (database versions not stated): TOPMed 0.00001; ESP Exome Variant Server 0.00008.
gnomAD v4.1: 38 of 1,613,146 alleles (0.0024%); highest among the groups gnomAD compares: Middle Eastern, 0.016%; no homozygotes.

Submissions (3):

CeGaT Center for Human Genetics Tuebingen
Classification: Uncertain significance. Last evaluated: 2024-01-01. Review status: criteria provided, single submitter. Criteria: CeGaT Center For Human Genetics Tuebingen Variant Classification Criteria Version 2. Collection method: clinical testing. Allele origin: germline. Affected: yes. Observed: 1 variant allele.
Comment: CEP152: PM2, BP4

Ambry Genetics
Classification: Likely benign for Inborn genetic diseases. Last evaluated: 2023-01-10. Review status: criteria provided, single submitter. Criteria: Ambry Variant Classification Scheme 2023. Collection method: clinical testing. Allele origin: germline.

Labcorp Genetics (formerly Invitae), Labcorp
Classification: Uncertain significance. Last evaluated: 2022-02-02. Review status: criteria provided, single submitter. Criteria: Invitae Variant Classification Sherloc (09022015). Collection method: clinical testing. Allele origin: germline.
Comment: This sequence change replaces arginine, which is basic and polar, with histidine, which is basic and polar, at codon 397 of the CEP152 protein (p.Arg397His). This variant is present in population databases (rs201569877, gnomAD 0.01%). This variant has not been reported in the literature in individuals affected with CEP152-related conditions. Algorithms developed to predict the effect of missense changes on protein structure and function output the following: SIFT: "Tolerated"; PolyPhen-2: "Benign"; Align-GVGD: "Class C0". The histidine amino acid residue is found in multiple mammalian species, which suggests that this missense change does not adversely affect protein function. In summary, the available evidence is currently insufficient to determine the role of this variant in disease. Therefore, it has been classified as a Variant of Uncertain Significance.

NM_001194998.2(CEP152):c.1190G>A (p.Arg397His)

Gene: CEP152 (centrosomal protein 152; minus strand). Cytogenetic location: 15q21.1.
Variant type: single nucleotide variant.
Coding change: c.1190G>A on transcript NM_001194998.2 (MANE Select); coding-DNA position 1190, G replaced by A.
Protein change: p.Arg397His; replaces arginine 397 with histidine.
Molecular consequence: missense variant.
Genome position (GRCh38, 1-based): chr15:48,784,104, C>T on the plus strand (G>A on the coding strand, the complement: CEP152 is on the minus strand). VCF-style: chr15-48784104-C-T. GRCh37 (hg19) VCF-style: chr15-49076301-C-T.
Other names: c.1190G>A (NM_014985.3); c.1190G>A, p.Arg397His (NM_014985.4); short protein forms R397H.
Identifiers: ClinVar variation 2067105 (VCV002067105.25), dbSNP rs201569877, ClinGen allele CA7548908.